The following is an entry in ClinVar:

NM_182961.4(SYNE1):c.22192-14A>G

Gene: SYNE1 (spectrin repeat containing nuclear envelope protein 1; minus strand). Cytogenetic location: 6q25.2.
Variant type: single nucleotide variant.
Coding change: c.22192-14A>G on transcript NM_182961.4 (MANE Select); 14 bases into the intron before coding-DNA position 22192, A replaced by G.
Molecular consequence: intron variant.
Genome position (GRCh38, 1-based): chr6:152,215,074, T>C on the plus strand (A>G on the coding strand, the complement: SYNE1 is on the minus strand). VCF-style: chr6-152215074-T-C. GRCh37 (hg19) VCF-style: chr6-152536209-T-C.
Other names: c.21979-14A>G (NM_033071.5).
Identifiers: ClinVar variation 2179559 (VCV002179559.4), dbSNP rs1342297491, ClinGen allele CA571127389.

ClinVar aggregate classification (germline): Uncertain significance (1 of 4 stars; one submission).

Conditions:
Emery-Dreifuss muscular dystrophy 4, autosomal dominant (EDMD4). Also called: EMERY-DREIFUSS MUSCULAR DYSTROPHY 4 WITH VARIABLE FEATURES. Identifiers: Orphanet 261, MedGen C2751807, MONDO:0013071, OMIM 612998.
Autosomal recessive ataxia, Beauce type. Also called: Spinocerebellar ataxia, autosomal recessive 8; ATAXIA, RECESSIVE, OF BEAUCE; SYNE1-Related Autosomal Recessive Cerebellar Ataxia; SYNE1 Deficiency. Identifiers: Orphanet 88644, MedGen C1853116, MONDO:0012549, OMIM 610743.

Allele frequency attached by ClinVar (database versions not stated): gnomAD exomes 0.00003.
gnomAD v4.1: 38 of 1,613,822 alleles (0.0024%); highest among the groups gnomAD compares: Non-Finnish European, 0.0032%; no homozygotes.

Submission:

Labcorp Genetics (formerly Invitae), Labcorp
Classification: Uncertain significance for Emery-Dreifuss muscular dystrophy 4, autosomal dominant; Autosomal recessive ataxia, Beauce type. Last evaluated: 2022-08-19. Review status: criteria provided, single submitter. Criteria: Invitae Variant Classification Sherloc (09022015). Collection method: clinical testing. Allele origin: germline.
Comment: This variant has not been reported in the literature in individuals affected with SYNE1-related conditions. This sequence change falls in intron 120 of the SYNE1 gene. It does not directly change the encoded amino acid sequence of the SYNE1 protein. This variant is present in population databases (no rsID available, gnomAD 0.002%). Algorithms developed to predict the effect of sequence changes on RNA splicing suggest that this variant may disrupt the consensus splice site. In summary, the available evidence is currently insufficient to determine the role of this variant in disease. Therefore, it has been classified as a Variant of Uncertain Significance.